The following is an entry in ClinVar:

NM_000685.5(AGTR1):c.*437G>T

Gene: AGTR1 (angiotensin II receptor type 1; plus strand). Cytogenetic location: 3q24.
Variant type: single nucleotide variant.
Coding change: c.*437G>T on transcript NM_000685.5 (MANE Select); 437 bases downstream of the stop codon, G replaced by T.
Molecular consequence: 3 prime UTR variant.
Genome position (GRCh38, 1-based): chr3:148,742,552, G>T. VCF-style: chr3-148742552-G-T. GRCh37 (hg19) VCF-style: chr3-148460339-G-T.
Other names: NC_000003.11:g.148460339G>T; c.*437G>T (NM_001382736.1, NM_001382737.1, NM_004835.5 and 3 more transcripts).
Identifiers: ClinVar variation 343683 (VCV000343683.7), dbSNP rs5189, ClinGen allele CA10617608.

ClinVar aggregate classification (germline): Benign. Review status: criteria provided, multiple submitters, no conflicts (2 of 4 stars). 2 submissions from 2 submitters: Benign (2). Last evaluated 2018-01-12.

Conditions:
Renal tubular dysgenesis. Also called: Renotubular dysgenesis. Identifiers: Orphanet 3033, MedGen C0266313, MONDO:0017609, HP:0008660.

Allele frequency attached by ClinVar (database versions not stated): TOPMed 0.07777; 1000 Genomes Project 0.05771; 1000 Genomes Project 30x 0.05918.
gnomAD v4.1: 20,450 of 317,050 alleles (6.5%); highest among the groups gnomAD compares: African/African-American, 14%; 902 homozygotes.

Submissions (9):

Illumina Laboratory Services, Illumina
Classification: Benign for Renal tubular dysgenesis of genetic origin. Last evaluated: 2018-01-12. Review status: criteria provided, single submitter. Criteria: ICSL Variant Classification Criteria 13 December 2019. Collection method: clinical testing. Allele origin: germline.
Comment: This variant was observed in the ICSL laboratory as part of a predisposition screen in an ostensibly healthy population. It had not been previously curated by ICSL or reported in the Human Gene Mutation Database (HGMD: prior to June 1st, 2018), and was therefore a candidate for classification through an automated scoring system. Utilizing variant allele frequency, disease prevalence and penetrance estimates, and inheritance mode, an automated score was calculated to assess if this variant is too frequent to cause the disease. Based on the score and internal cut-off values, a variant classified as benign is not then subjected to further curation. The score for this variant resulted in a classification of benign for this disease.

Breakthrough Genomics
Classification: Benign. Review status: criteria provided, single submitter. Criteria: ACMG Guidelines, 2015. Collection method: not provided. Allele origin: germline. Inheritance: Autosomal recessive inheritance. Affected: yes.

Dr. Peter K. Rogan Lab, Western University
No classification provided (evidence only). Condition: Acute myeloid leukemia. Review status: no classification provided. Collection method: in vitro. Allele origin: not applicable. Functional consequence: retained intron. Not counted in ClinVar's aggregate classification.

Dr. Peter K. Rogan Lab, Western University
No classification provided (evidence only). Condition: Colorectal cancer. Review status: no classification provided. Collection method: in vitro. Allele origin: not applicable. Functional consequence: retained intron. Not counted in ClinVar's aggregate classification.

Dr. Peter K. Rogan Lab, Western University
No classification provided (evidence only). Condition: Colorectal cancer. Review status: no classification provided. Collection method: in vitro. Allele origin: not applicable. Functional consequence: retained intron. Not counted in ClinVar's aggregate classification.

Dr. Peter K. Rogan Lab, Western University
No classification provided (evidence only). Condition: Colorectal cancer. Review status: no classification provided. Collection method: in vitro. Allele origin: not applicable. Functional consequence: retained intron. Not counted in ClinVar's aggregate classification.

Dr. Peter K. Rogan Lab, Western University
No classification provided (evidence only). Condition: Ovarian serous cystadenocarcinoma. Review status: no classification provided. Collection method: in vitro. Allele origin: not applicable. Functional consequence: retained intron. Not counted in ClinVar's aggregate classification.

Dr. Peter K. Rogan Lab, Western University
No classification provided (evidence only). Condition: Ovarian serous cystadenocarcinoma. Review status: no classification provided. Collection method: in vitro. Allele origin: not applicable. Functional consequence: retained intron. Not counted in ClinVar's aggregate classification.

Dr. Peter K. Rogan Lab, Western University
No classification provided (evidence only). Condition: Adrenocortical carcinoma, hereditary. Review status: no classification provided. Collection method: in vitro. Allele origin: not applicable. Functional consequence: retained intron. Not counted in ClinVar's aggregate classification.